The following is an entry in ClinVar:

NM_005529.7(HSPG2):c.10917C>T (p.Tyr3639=)

Gene: HSPG2 (heparan sulfate proteoglycan 2; minus strand). Cytogenetic location: 1p36.12.
Variant type: single nucleotide variant.
Coding change: c.10917C>T on transcript NM_005529.7 (MANE Select); coding-DNA position 10917, C replaced by T.
Protein change: p.Tyr3639=; no amino-acid change (tyrosine 3639 retained).
Molecular consequence: synonymous variant.
Genome position (GRCh38, 1-based): chr1:21,833,528, G>A on the plus strand (C>T on the coding strand, the complement: HSPG2 is on the minus strand). VCF-style: chr1-21833528-G-A. GRCh37 (hg19) VCF-style: chr1-22160021-G-A.
Other names: c.10920C>T, p.Tyr3640= (NM_001291860.2).
Identifiers: ClinVar variation 727762 (VCV000727762.20), dbSNP rs111558823, ClinGen allele CA669982.
Genomic context (GRCh38, chr1:21,833,528, plus strand): 5'-TGGCACCTGCAGGTGGGCAAAGGCTTTGACCTTGCCCTGGCGGTTAGTGGCGGTGCAGAC[G>A]TAGGTACCTGCGTCCTGGGGTCGGACTGAGGGCAGCATCAGCATGTTGTTCTCCAGGCGG-3'
Protein context (NP_005520.4, residues 3629-3649): PSVRPQDAGT[Tyr3639=]VCTATNRQGK

ClinVar aggregate classification (germline): Conflicting classifications of pathogenicity. Review status: criteria provided, conflicting classifications (1 of 4 stars). 6 submissions from 6 submitters: Uncertain significance (1); Likely benign (4). 1 of the submissions does not count toward it. Last evaluated 2025-03-24.

Conditions:
HSPG2-related disorder. Also called: HSPG2-related disorders; HSPG2-related condition.

Allele frequency attached by ClinVar (database versions not stated): 1000 Genomes Project 30x 0.00047; ESP Exome Variant Server 0.00062; gnomAD 0.00077 and 0.00084; gnomAD exomes 0.00009 and 0.00017; ExAC 0.00017; 1000 Genomes Project 0.00040; TOPMed 0.00088.
gnomAD v4.1: 259 of 1,614,206 alleles (0.016%); highest among the groups gnomAD compares: African/African-American, 0.27%; 1 homozygote.

Submissions (6):

Labcorp Genetics (formerly Invitae), Labcorp
Classification: Likely benign. Last evaluated: 2025-03-24. Review status: criteria provided, single submitter. Criteria: Invitae Variant Classification Sherloc (09022015). Collection method: clinical testing. Allele origin: germline.

Blueprint Genetics
Classification: Likely benign. Last evaluated: 2024-07-01. Review status: criteria provided, single submitter. Criteria: ACMG Guidelines, 2015. Collection method: clinical testing. Allele origin: germline.

ARUP Laboratories, Molecular Genetics and Genomics, ARUP Laboratories
Classification: Likely benign. Last evaluated: 2024-06-21. Review status: criteria provided, single submitter. Criteria: ARUP Molecular Germline Variant Investigation Process 2024. Collection method: clinical testing. Allele origin: germline.

GeneDx
Classification: Likely benign. Last evaluated: 2021-04-04. Review status: criteria provided, single submitter. Criteria: GeneDx Variant Classification Process June 2021. Collection method: clinical testing. Allele origin: germline. Affected: yes.

Revvity Omics, Revvity
Classification: Uncertain significance. Last evaluated: 2019-07-17. Review status: criteria provided, single submitter. Criteria: ACMG Guidelines, 2015. Collection method: clinical testing. Allele origin: germline.

PreventionGenetics, part of Exact Sciences
Classification: Likely benign for HSPG2-related condition. Last evaluated: 2019-08-13. Review status: no assertion criteria provided. Collection method: clinical testing. Allele origin: germline. Not counted in ClinVar's aggregate classification.
Comment: This variant is classified as likely benign based on ACMG/AMP sequence variant interpretation guidelines (Richards et al. 2015 PMID: 25741868, with internal and published modifications).